The following is an entry in ClinVar:

NM_144991.3(TSPEAR):c.170G>A (p.Arg57Gln)

Gene: TSPEAR (thrombospondin type laminin G domain and EAR repeats; minus strand). Cytogenetic location: 21q22.3.
Variant type: single nucleotide variant.
Coding change: c.170G>A on transcript NM_144991.3 (MANE Select); coding-DNA position 170, G replaced by A.
Protein change: p.Arg57Gln; replaces arginine 57 with glutamine.
Molecular consequence: missense variant. On other transcripts: 5 prime UTR variant (1).
Genome position (GRCh38, 1-based): chr21:44,567,918, C>T on the plus strand (G>A on the coding strand, the complement: TSPEAR is on the minus strand). VCF-style: chr21-44567918-C-T. GRCh37 (hg19) VCF-style: chr21-45987802-C-T.
Other names: c.-35G>A (NM_001272037.2); short protein forms R57Q.
Identifiers: ClinVar variation 227132 (VCV000227132.63), dbSNP rs151001222, ClinGen allele CA10058073.

ClinVar aggregate classification (germline): Conflicting classifications of pathogenicity. Review status: criteria provided, conflicting classifications (1 of 4 stars). 8 submissions from 8 submitters: Uncertain significance (2); Benign (2); Likely benign (3). 1 of the submissions does not count toward it. Last evaluated 2025-12-24.

Conditions:
TSPEAR-related disorder. Also called: TSPEAR-related condition.
Inborn genetic diseases. Identifiers: MedGen C0950123, MeSH D030342.

Allele frequency attached by ClinVar (database versions not stated): gnomAD exomes 0.00023 and 0.00055; ExAC 0.00076; 1000 Genomes Project 30x 0.00109; 1000 Genomes Project 0.00140; gnomAD 0.00193 and 0.00210; ESP Exome Variant Server 0.00215; TOPMed 0.00220.

Submissions (8):

Labcorp Genetics (formerly Invitae), Labcorp
Classification: Likely benign. Last evaluated: 2025-12-24. Review status: criteria provided, single submitter. Criteria: Invitae Variant Classification Sherloc (09022015). Collection method: clinical testing. Allele origin: germline.

Blueprint Genetics
Classification: Likely benign. Last evaluated: 2024-11-05. Review status: criteria provided, single submitter. Criteria: ACMG Guidelines, 2015. Collection method: clinical testing. Allele origin: germline.

Ambry Genetics
Classification: Uncertain significance for Inborn genetic diseases. Last evaluated: 2024-04-06. Review status: criteria provided, single submitter. Criteria: Ambry Variant Classification Scheme 2023. Collection method: clinical testing. Allele origin: germline.

Athena Diagnostics
Classification: Likely benign. Last evaluated: 2019-02-22. Review status: criteria provided, single submitter. Criteria: Athena Diagnostics Criteria. Collection method: clinical testing. Allele origin: germline.

GeneDx
Classification: Benign. Last evaluated: 2018-09-28. Review status: criteria provided, single submitter. Criteria: GeneDx Variant Classification Process June 2021. Collection method: clinical testing. Allele origin: germline. Affected: yes.

CeGaT Center for Human Genetics Tuebingen
Classification: Uncertain significance. Last evaluated: 2016-06-01. Review status: criteria provided, single submitter. Criteria: CeGaT Center For Human Genetics Tuebingen Variant Classification Criteria Version 2. Collection method: clinical testing. Allele origin: germline. Affected: yes. Observed: 1 variant allele.

Laboratory for Molecular Medicine, Mass General Brigham Personalized Medicine
Classification: Benign. Last evaluated: 2014-11-24. Review status: criteria provided, single submitter. Criteria: LMM Criteria. Collection method: clinical testing. Allele origin: germline. Observed: 2 variant alleles.
Comment: Arg57Gln in exon 2 of TSPEAR: This variant is not expected to have clinical sign ificance because it has been identified in 0.6% (26/4406) of African American ch romosomes from a broad population by the NHLBI Exome Sequencing Project (dbSNP rs151001222).

PreventionGenetics, part of Exact Sciences
Classification: Likely benign for TSPEAR-related condition. Last evaluated: 2020-07-01. Review status: no assertion criteria provided. Collection method: clinical testing. Allele origin: germline. Not counted in ClinVar's aggregate classification.
Comment: This variant is classified as likely benign based on ACMG/AMP sequence variant interpretation guidelines (Richards et al. 2015 PMID: 25741868, with internal and published modifications).